The following is an entry in ClinVar:

NM_020964.3(EPG5):c.6311C>G (p.Ala2104Gly)

Gene: EPG5 (ectopic P-granules 5 autophagy tethering factor; minus strand). Cytogenetic location: 18q12.3.
Variant type: single nucleotide variant.
Coding change: c.6311C>G on transcript NM_020964.3 (MANE Select); coding-DNA position 6311, C replaced by G.
Protein change: p.Ala2104Gly; replaces alanine 2104 with glycine.
Molecular consequence: missense variant.
Genome position (GRCh38, 1-based): chr18:45,867,663, G>C on the plus strand (C>G on the coding strand, the complement: EPG5 is on the minus strand). VCF-style: chr18-45867663-G-C. GRCh37 (hg19) VCF-style: chr18-43447628-G-C.
Other names: c.6311C>G, p.Ala2104Gly (NM_001410858.1); c.6308C>G, p.Ala2103Gly (NM_001410859.1); short protein forms A2103G, A2104G.
Identifiers: ClinVar variation 2076155 (VCV002076155.1), dbSNP rs766396310, ClinGen allele CA8948307.

ClinVar aggregate classification (germline): Uncertain significance (1 of 4 stars; one submission).

Conditions:
Vici syndrome (VICIS). Identifiers: Orphanet 1493, MedGen C1855772, MONDO:0009452, OMIM 242840.

Allele frequency attached by ClinVar (database versions not stated): gnomAD 0.00001; ExAC 0.00007.
gnomAD v4.1: 54 of 1,613,832 alleles (0.0033%); highest among the groups gnomAD compares: South Asian, 0.058%; 1 homozygote.

Submission:

Labcorp Genetics (formerly Invitae), Labcorp
Classification: Uncertain significance for Vici syndrome. Last evaluated: 2022-01-27. Review status: criteria provided, single submitter. Criteria: Invitae Variant Classification Sherloc (09022015). Collection method: clinical testing. Allele origin: germline.
Comment: This sequence change replaces alanine, which is neutral and non-polar, with glycine, which is neutral and non-polar, at codon 2104 of the EPG5 protein (p.Ala2104Gly). This variant is present in population databases (rs766396310, gnomAD 0.06%). This missense change has been observed in individual(s) with Vici syndrome (PMID: 33365035). Algorithms developed to predict the effect of missense changes on protein structure and function are either unavailable or do not agree on the potential impact of this missense change (SIFT: "Tolerated"; PolyPhen-2: "Probably Damaging"; Align-GVGD: "Class C0"). In summary, the available evidence is currently insufficient to determine the role of this variant in disease. Therefore, it has been classified as a Variant of Uncertain Significance.

Literature cited by the submitters: PubMed 33365035.